The following is an entry in ClinVar:

ClinVar aggregate classification (germline): Uncertain significance (1 of 4 stars; one submission).

Conditions:
Inborn genetic diseases. Identifiers: MedGen C0950123, MeSH D030342.

gnomAD v4.1: 1 of 1,600,238 alleles (0.000062%); highest among the groups gnomAD compares: Non-Finnish European, 0.000085%; no homozygotes.

Submission:

Ambry Genetics
Classification: Uncertain significance for Inborn genetic diseases. Last evaluated: 2026-01-15. Review status: criteria provided, single submitter. Criteria: Ambry Variant Classification Scheme 2023. Collection method: clinical testing. Allele origin: germline.
Comment: The p.Q406E variant (also known as c.1216C>G), located in coding exon 10 of the FANCG gene, results from a C to G substitution at nucleotide position 1216. The glutamine at codon 406 is replaced by glutamic acid, an amino acid with highly similar properties. This amino acid position is conserved. In addition, this alteration is predicted to be tolerated by in silico analysis. Based on the available evidence, the clinical significance of this variant remains unclear.

NM_004629.2(FANCG):c.1216C>G (p.Gln406Glu)

Gene: FANCG (FA complementation group G; minus strand). Cytogenetic location: 9p13.3.
Variant type: single nucleotide variant.
Coding change: c.1216C>G on transcript NM_004629.2 (MANE Select); coding-DNA position 1216, C replaced by G.
Protein change: p.Gln406Glu; replaces glutamine 406 with glutamic acid.
Molecular consequence: missense variant.
Genome position (GRCh38, 1-based): chr9:35,075,682, G>C on the plus strand (C>G on the coding strand, the complement: FANCG is on the minus strand). VCF-style: chr9-35075682-G-C. GRCh37 (hg19) VCF-style: chr9-35075679-G-C.
Other names: short protein forms Q406E.
Identifiers: ClinVar variation 4844144 (VCV004844144.1).